The following is an entry in ClinVar:

ClinVar aggregate classification (germline): Pathogenic/Likely pathogenic. Review status: criteria provided, multiple submitters, no conflicts (2 of 4 stars). 6 submissions from 6 submitters: Pathogenic (2); Likely pathogenic (1). 3 of the submissions do not count toward it. Last evaluated 2024-03-05.

Conditions:
Autoinflammatory syndrome. Identifiers: Orphanet 93665, MedGen C3890737, MONDO:0019751.
Majeed syndrome (MJDS). Also called: CHRONIC RECURRENT MULTIFOCAL OSTEOMYELITIS 1, WITH CONGENITAL DYSERYTHROPOIETIC ANEMIA, WITH OR WITHOUT NEUTROPHILIC DERMATOSIS; LPIN2-Related Majeed Syndrome. Identifiers: Orphanet 77297, MedGen C1864997, MONDO:0012316, OMIM 609628.

Allele frequency attached by ClinVar (database versions not stated): gnomAD exomes below 0.00001 and 0.00001; ExAC 0.00001; gnomAD 0.00001.
gnomAD v4.1: 7 of 1,613,896 alleles (0.00043%); highest among the groups gnomAD compares: Middle Eastern, 0.016%; no homozygotes.

Submissions (6):

Genome Diagnostics Laboratory, The Hospital for Sick Children
Classification: Likely pathogenic for Autoinflammatory syndrome. Last evaluated: 2024-03-05. Review status: criteria provided, single submitter. Criteria: ACMG Guidelines, 2015. Collection method: clinical testing. Allele origin: germline. Affected: yes.
Comment: This missense variant results in a change from serine to leucine at amino acid position 734. It has been reported in the scientific literature in individuals with LPIN2-related disorders and segregated with disease (PMID: 15994876, 27860302). It is observed at an allele frequency of 0.00043% in population controls of the Genome Aggregation Database (gnomAD). In silico prediction programs predict this variant to impact protein function. Based on the evidence above, this variant is classified as pathogenic (PP1_S, PM2, PM3, PP3, PP5).

Women's Health and Genetics/Laboratory Corporation of America, LabCorp
Classification: Pathogenic for Majeed syndrome. Last evaluated: 2022-05-05. Review status: criteria provided, single submitter. Criteria: LabCorp Variant Classification Summary - May 2015. Collection method: clinical testing. Allele origin: germline.
Comment: Variant summary: LPIN2 c.2201C>T (p.Ser734Leu) results in a non-conservative amino acid change located in the LNS2/PITP domain (IPR031315) of the encoded protein sequence. Five of five in-silico tools predict a damaging effect of the variant on protein function. The variant allele was found at a frequency of 8e-06 in 251130 control chromosomes (gnomAD). c.2201C>T has been reported in the literature in multiple homozygous individuals affected with Majeed Syndrome (Ferguson_2005, Moussa_2017). These data indicate that the variant is very likely to be associated with disease. A publication also reported experimental evidence evaluating an impact on protein function, and demonstrated that the serine to leucine substitution at the analogous serine residue (Ser 731) in a mouse model completely abolished phosphatidate phosphatase (PAP) activity of the variant protein (Donkor_2009). No clinical diagnostic laboratories have submitted clinical-significance assessments for this variant to ClinVar after 2014. Based on the evidence outlined above, the variant was classified as pathogenic.

GeneDx
Classification: Pathogenic. Last evaluated: 2013-02-19. Review status: criteria provided, single submitter. Criteria: GeneDx Variant Classification (06012015). Collection method: clinical testing. Allele origin: germline. Affected: yes.
Comment: The S734L missense mutation in the LPIN2 gene has been reported previously in association with Majeed syndrome (Ferguson et al., 2005). This mutation occurs at a conserved position in the LPIN2 protein that is part of the C-LIP domain region. Functional studies of this mutation revealed that its presence abolishes the normal phosphatidate phosphatase (PAP) enzymatic activity of the LPIN2 protein (Donkor et al., 2009).

OMIM
Classification: Pathogenic for MAJEED SYNDROME. Last evaluated: 2005-07-01. Review status: no assertion criteria provided. Collection method: literature only. Allele origin: germline. Not counted in ClinVar's aggregate classification.

GeneReviews
No classification provided. Condition: Majeed syndrome. Review status: no classification provided. Collection method: literature only. Allele origin: unknown. Not counted in ClinVar's aggregate classification.

Unité médicale des maladies autoinflammatoires, CHRU Montpellier
No classification provided. Condition: Majeed syndrome. Review status: no classification provided. Collection method: not provided. Allele origin: unknown. Not counted in ClinVar's aggregate classification.

Literature cited by the submitters: PubMed 19717560 (cited by Women's Health and Genetics/Laboratory Corporation of America, LabCorp); PubMed 33670882 (cited by Women's Health and Genetics/Laboratory Corporation of America, LabCorp); PubMed 15994876 (cited by 3 submitters); PubMed 27860302 (cited by Women's Health and Genetics/Laboratory Corporation of America, LabCorp); PubMed 2809904 (cited by OMIM and GeneReviews); PubMed 10969284 (cited by OMIM and GeneReviews); PubMed 20301735 (cited by GeneReviews); NCBI Bookshelf NBK1974 (cited by GeneReviews).

NM_001375808.2(LPIN2):c.2201C>T (p.Ser734Leu)

Gene: LPIN2 (lipin 2; minus strand). Cytogenetic location: 18p11.31.
Variant type: single nucleotide variant.
Coding change: c.2201C>T on transcript NM_001375808.2 (MANE Select); coding-DNA position 2201, C replaced by T.
Protein change: p.Ser734Leu; replaces serine 734 with leucine.
Molecular consequence: missense variant.
Genome position (GRCh38, 1-based): chr18:2,922,173, G>A on the plus strand (C>T on the coding strand, the complement: LPIN2 is on the minus strand). VCF-style: chr18-2922173-G-A. GRCh37 (hg19) VCF-style: chr18-2922171-G-A.
Other names: c.2201C>T, p.Ser734Leu (NM_001375809.1, NM_014646.2); short protein forms S734L.
Identifiers: ClinVar variation 4908 (VCV000004908.10), dbSNP rs80338807, ClinGen allele CA340316.